The following is an entry in ClinVar:

NM_005422.4(TECTA):c.5602A>T (p.Ile1868Phe)

Genes: TBCEL-TECTA (TBCEL-TECTA readthrough; plus strand), TECTA (tectorin alpha; plus strand). Cytogenetic location: 11q23.3.
Variant type: single nucleotide variant.
Coding change: c.5602A>T on transcript NM_005422.4 (MANE Select); coding-DNA position 5602, A replaced by T.
Protein change: p.Ile1868Phe; replaces isoleucine 1868 with phenylalanine.
Molecular consequence: missense variant.
Genome position (GRCh38, 1-based): chr11:121,168,069, A>T. VCF-style: chr11-121168069-A-T. GRCh37 (hg19) VCF-style: chr11-121038778-A-T.
Other names: c.6544A>T, p.Ile2182Phe (NM_001378761.1); short protein forms I1868F, I2182F.
Identifiers: ClinVar variation 3368416 (VCV003368416.1).
Genomic context (GRCh38, chr11:121,168,069, plus strand): 5'-CTCACTCCCAGATGTAACGATTTCTGACTTCCCCTTGTTCTGCAGTCCAATGGCACGCAT[A>T]TCATGTATAAAAACACACTCTGGATCGAAAGCGCCAACAACACTGGCAACATCATCACCA-3'
Protein context (NP_005413.2, residues 1858-1878): GNIVQSNGTH[Ile1868Phe]MYKNTLWIES

ClinVar aggregate classification (germline): Uncertain significance (1 of 4 stars; one submission).

Submission:

GeneDx
Classification: Uncertain significance. Last evaluated: 2024-01-29. Review status: criteria provided, single submitter. Criteria: GeneDx Variant Classification Process June 2021. Collection method: clinical testing. Allele origin: germline. Affected: yes.
Comment: Not observed at significant frequency in large population cohorts (gnomAD); In silico analysis supports that this missense variant does not alter protein structure/function; Has not been previously published as pathogenic or benign to our knowledge; This variant is associated with the following publications: (PMID: 21520338, 31554319, 9590290, 16718611)